The following is an entry in ClinVar:

ClinVar aggregate classification (germline): Uncertain significance. Review status: criteria provided, multiple submitters, no conflicts (2 of 4 stars). 2 submissions from 2 submitters: Uncertain significance (2). Last evaluated 2026-03-16.

gnomAD v4.1: 47 of 1,614,238 alleles (0.0029%); highest among the groups gnomAD compares: Admixed American, 0.06%; no homozygotes.

Submissions (2):

GeneDx
Classification: Uncertain significance. Last evaluated: 2026-03-16. Review status: criteria provided, single submitter. Criteria: GeneDx Variant Classification Process June 2021. Collection method: clinical testing. Allele origin: germline.
Comment: In silico analysis supports that this missense variant does not alter protein structure/function; Has not been previously published as pathogenic or benign to our knowledge

Ambry Genetics
Classification: Uncertain significance. Last evaluated: 2025-08-05. Review status: criteria provided, single submitter. Criteria: Ambry Variant Classification Scheme 2023. Collection method: clinical testing. Allele origin: germline.

NM_005611.4(RBL2):c.2104C>T (p.Pro702Ser)

Gene: RBL2 (RB transcriptional corepressor like 2; plus strand). Cytogenetic location: 16q12.2.
Variant type: single nucleotide variant.
Coding change: c.2104C>T on transcript NM_005611.4 (MANE Select); coding-DNA position 2104, C replaced by T.
Protein change: p.Pro702Ser; replaces proline 702 with serine.
Molecular consequence: missense variant.
Genome position (GRCh38, 1-based): chr16:53,470,044, C>T. VCF-style: chr16-53470044-C-T. GRCh37 (hg19) VCF-style: chr16-53503956-C-T.
Other names: c.2104C>T, p.Pro702Ser (NM_001323608.2, NM_001323609.2, NM_001323610.2); c.1882C>T, p.Pro628Ser (NM_001323611.1); short protein forms P628S, P702S.
Identifiers: ClinVar variation 3776384 (VCV003776384.3).